The following is an entry in ClinVar:

ClinVar aggregate classification (germline): Conflicting classifications of pathogenicity. Review status: criteria provided, conflicting classifications (1 of 4 stars). 3 submissions from 3 submitters: Uncertain significance (2); Likely benign (1). Last evaluated 2023-11-27.

Conditions:
Inborn genetic diseases. Identifiers: MedGen C0950123, MeSH D030342.
Megalencephalic leukoencephalopathy with subcortical cysts. Also called: VAN DER KNAAP DISEASE. Identifiers: Orphanet 2478, MedGen C1858854, MONDO:0011391.

Allele frequency attached by ClinVar (database versions not stated): gnomAD 0.00007 and 0.00008; ESP Exome Variant Server 0.00008; TOPMed 0.00010.
gnomAD v4.1: 107 of 1,583,918 alleles (0.0068%); highest among the groups gnomAD compares: Non-Finnish European, 0.0091%; no homozygotes.

Submissions (3):

Labcorp Genetics (formerly Invitae), Labcorp
Classification: Uncertain significance. Last evaluated: 2023-11-27. Review status: criteria provided, single submitter. Criteria: Invitae Variant Classification Sherloc (09022015). Collection method: clinical testing. Allele origin: germline.
Comment: This sequence change replaces aspartic acid, which is acidic and polar, with glutamic acid, which is acidic and polar, at codon 29 of the HEPACAM protein (p.Asp29Glu). This variant is present in population databases (rs148838622, gnomAD 0.006%). This variant has not been reported in the literature in individuals affected with HEPACAM-related conditions. ClinVar contains an entry for this variant (Variation ID: 303338). Algorithms developed to predict the effect of missense changes on protein structure and function output the following: SIFT: "Not Available"; PolyPhen-2: "Benign"; Align-GVGD: "Not Available". The glutamic acid amino acid residue is found in multiple mammalian species, which suggests that this missense change does not adversely affect protein function. In summary, the available evidence is currently insufficient to determine the role of this variant in disease. Therefore, it has been classified as a Variant of Uncertain Significance.

Ambry Genetics
Classification: Likely benign for Inborn genetic diseases. Last evaluated: 2022-04-01. Review status: criteria provided, single submitter. Criteria: Ambry Variant Classification Scheme 2023. Collection method: clinical testing. Allele origin: germline.

Illumina Laboratory Services, Illumina
Classification: Uncertain significance for Megalencephalic leukoencephalopathy with subcortical cysts. Last evaluated: 2018-01-13. Review status: criteria provided, single submitter. Criteria: ICSL Variant Classification Criteria 13 December 2019. Collection method: clinical testing. Allele origin: germline.

NM_152722.5(HEPACAM):c.87C>G (p.Asp29Glu)

Gene: HEPACAM (hepatic and glial cell adhesion molecule; minus strand). Cytogenetic location: 11q24.2.
Variant type: single nucleotide variant.
Coding change: c.87C>G on transcript NM_152722.5 (MANE Select); coding-DNA position 87, C replaced by G.
Protein change: p.Asp29Glu; replaces aspartic acid 29 with glutamic acid.
Molecular consequence: missense variant.
Genome position (GRCh38, 1-based): chr11:124,925,068, G>C on the plus strand (C>G on the coding strand, the complement: HEPACAM is on the minus strand). VCF-style: chr11-124925068-G-C. GRCh37 (hg19) VCF-style: chr11-124794964-G-C.
Other names: short protein forms D29E.
Identifiers: ClinVar variation 303338 (VCV000303338.10), dbSNP rs148838622, ClinGen allele CA6345820.